The following is an entry in ClinVar:

NM_003072.5(SMARCA4):c.2621G>A (p.Arg874His)

Gene: SMARCA4 (SWI/SNF related BAF chromatin remodeling complex subunit ATPase 4; plus strand). Cytogenetic location: 19p13.2.
Variant type: single nucleotide variant.
Coding change: c.2621G>A on transcript NM_003072.5 (MANE Select); coding-DNA position 2621, G replaced by A.
Protein change: p.Arg874His; replaces arginine 874 with histidine.
Molecular consequence: missense variant. On other transcripts: non-coding transcript variant (1).
Genome position (GRCh38, 1-based): chr19:11,021,729, G>A. VCF-style: chr19-11021729-G-A. GRCh37 (hg19) VCF-style: chr19-11132405-G-A.
Other names: c.2621G>A, p.Arg874His (NM_001128844.3, NM_001128845.2, NM_001128846.2 and 5 more transcripts); short protein forms R874H.
Identifiers: ClinVar variation 567549 (VCV000567549.11), dbSNP rs1378511462, ClinGen allele CA404055502.

ClinVar aggregate classification (germline): Uncertain significance. Review status: criteria provided, multiple submitters, no conflicts (2 of 4 stars). 2 submissions from 2 submitters: Uncertain significance (2). Last evaluated 2024-06-10.

Conditions:
Rhabdoid tumor predisposition syndrome 2 (RTPS2). Identifiers: Orphanet 231108, Orphanet 69077, MedGen C2750074, MONDO:0013224, OMIM 613325.
Hereditary cancer-predisposing syndrome. Also called: Neoplastic Syndromes, Hereditary; Tumor predisposition; Hereditary neoplastic syndrome; Hereditary Cancer Syndrome. Identifiers: Orphanet 140162, MedGen C0027672, MeSH D009386, MONDO:0015356.

Allele frequency attached by ClinVar (database versions not stated): gnomAD exomes below 0.00001.

Submissions (2):

Labcorp Genetics (formerly Invitae), Labcorp
Classification: Uncertain significance for Rhabdoid tumor predisposition syndrome 2. Last evaluated: 2024-06-10. Review status: criteria provided, single submitter. Criteria: Invitae Variant Classification Sherloc (09022015). Collection method: clinical testing. Allele origin: germline.
Comment: This sequence change replaces arginine, which is basic and polar, with histidine, which is basic and polar, at codon 874 of the SMARCA4 protein (p.Arg874His). The frequency data for this variant in the population databases is considered unreliable, as metrics indicate poor data quality at this position in the gnomAD database. This variant has not been reported in the literature in individuals affected with SMARCA4-related conditions. ClinVar contains an entry for this variant (Variation ID: 567549). Advanced modeling of protein sequence and biophysical properties (such as structural, functional, and spatial information, amino acid conservation, physicochemical variation, residue mobility, and thermodynamic stability) has been performed at Invitae for this missense variant, however the output from this modeling did not meet the statistical confidence thresholds required to predict the impact of this variant on SMARCA4 protein function. In summary, the available evidence is currently insufficient to determine the role of this variant in disease. Therefore, it has been classified as a Variant of Uncertain Significance.

Ambry Genetics
Classification: Uncertain significance for Hereditary cancer-predisposing syndrome. Last evaluated: 2023-04-28. Review status: criteria provided, single submitter. Criteria: Ambry Variant Classification Scheme 2023. Collection method: clinical testing. Allele origin: germline.
Comment: The p.R874H variant (also known as c.2621G>A), located in coding exon 18 of the SMARCA4 gene, results from a G to A substitution at nucleotide position 2621. The arginine at codon 874 is replaced by histidine, an amino acid with highly similar properties. This alteration was reported in 1/4293 individuals with severe undiagnosed developmental disorder who underwent whole exome sequencing (Ahmed M et al. Nature, 2017 02;542:433-438). This amino acid position is highly conserved in available vertebrate species. In addition, this alteration is predicted to be deleterious by in silico analysis. Missense and in-frame variants in SMARCA4 are known to cause neurodevelopmental disorders; however, such associations with rhabdoid tumor predisposition syndrome including small cell carcinoma of the ovary-hypercalcemic type (SCCOHT) are exceedingly rare (Kosho T et al. Am J Med Genet C Semin Med Genet. 2014 Sep;166C(3):262-75; Jelinic P et al. Nat Genet. 2014 May;46(5):424-6). Since supporting evidence is limited at this time, the clinical significance of this alteration remains unclear.

Literature cited by the submitters: PubMed 28135719 (cited by Ambry Genetics).